The following is an entry in ClinVar:

ClinVar aggregate classification (germline): Uncertain significance (1 of 4 stars; one submission).

Conditions:
Gastrointestinal stromal tumor. Also called: Gastrointestinal stromal tumor, somatic; Gastrointestinal stroma tumor. Identifiers: Orphanet 44890, MedGen C0238198, MeSH D046152, MONDO:0011719, OMIM 606764, HP:0100723.

Submission:

Labcorp Genetics (formerly Invitae), Labcorp
Classification: Uncertain significance for Gastrointestinal stromal tumor. Last evaluated: 2025-03-12. Review status: criteria provided, single submitter. Criteria: Invitae Variant Classification Sherloc (09022015). Collection method: clinical testing. Allele origin: germline.
Comment: This sequence change replaces alanine, which is neutral and non-polar, with valine, which is neutral and non-polar, at codon 810 of the PDGFRA protein (p.Ala810Val). This variant is not present in population databases (gnomAD no frequency). This variant has not been reported in the literature in individuals affected with PDGFRA-related conditions. Invitae Evidence Modeling of protein sequence and biophysical properties (such as structural, functional, and spatial information, amino acid conservation, physicochemical variation, residue mobility, and thermodynamic stability) indicates that this missense variant is expected to disrupt PDGFRA protein function with a positive predictive value of 80%. In summary, the available evidence is currently insufficient to determine the role of this variant in disease. Therefore, it has been classified as a Variant of Uncertain Significance.

NM_006206.6(PDGFRA):c.2429C>T (p.Ala810Val)

Gene: PDGFRA (platelet derived growth factor receptor alpha; plus strand). Cytogenetic location: 4q12.
Variant type: single nucleotide variant.
Coding change: c.2429C>T on transcript NM_006206.6 (MANE Select); coding-DNA position 2429, C replaced by T.
Protein change: p.Ala810Val; replaces alanine 810 with valine.
Molecular consequence: missense variant.
Genome position (GRCh38, 1-based): chr4:54,285,476, C>T. VCF-style: chr4-54285476-C-T. GRCh37 (hg19) VCF-style: chr4-55151643-C-T.
Other names: c.2504C>T, p.Ala835Val (NM_001347828.2); c.2429C>T, p.Ala810Val (NM_001347829.2); c.2468C>T, p.Ala823Val (NM_001347830.2); short protein forms A810V, A823V, A835V.
Identifiers: ClinVar variation 4744557 (VCV004744557.1).